The following is an entry in ClinVar:

ClinVar aggregate classification (germline): Uncertain significance (1 of 4 stars; one submission).

Conditions:
Congenital contractural arachnodactyly (CCA). Also called: BEALS SYNDROME; Arthrogryposis, distal, type 9; Beals-Hecht syndrome. Identifiers: Orphanet 115, MedGen C0220668, MONDO:0007363, OMIM 121050.

Submission:

Labcorp Genetics (formerly Invitae), Labcorp
Classification: Uncertain significance for Congenital contractural arachnodactyly. Last evaluated: 2022-08-03. Review status: criteria provided, single submitter. Criteria: Invitae Variant Classification Sherloc (09022015). Collection method: clinical testing. Allele origin: germline.
Comment: This variant has not been reported in the literature in individuals affected with FBN2-related conditions. This variant is not present in population databases (gnomAD no frequency). This variant results in the deletion of part of exon 23 (c.2921_2989+510delinsCATA) of the FBN2 gene. It is expected to disrupt RNA splicing. Variants that disrupt the donor or acceptor splice site typically lead to a loss of protein function (PMID: 16199547), however the current clinical and genetic evidence is not sufficient to establish whether loss-of-function variants in FBN2 cause disease. In summary, the available evidence is currently insufficient to determine the role of this variant in disease. Therefore, it has been classified as a Variant of Uncertain Significance.

Literature cited by the submitters: PubMed 16199547.

NM_001999.4(FBN2):c.2921_2989+510delinsCATA

Gene: FBN2 (fibrillin 2; minus strand). Cytogenetic location: 5q23.3.
Variant type: Indel.
Coding change: c.2921_2989+510delinsCATA on transcript NM_001999.4 (MANE Select); coding-DNA position 2921 through 510 bases into the intron after coding-DNA position 2989, the reference bases replaced by CATA.
Molecular consequence: splice donor variant.
Genome position (GRCh38, 1-based): chr5:128,348,837-128,349,415, 579 bases replaced. GRCh37 (hg19): chr5:127,684,529-127,685,107.
Identifiers: ClinVar variation 2021356 (VCV002021356.4), dbSNP rs2479300407, ClinGen allele CA2580072586.